The following is an entry in ClinVar:

ClinVar aggregate classification (germline): Benign. Review status: criteria provided, multiple submitters, no conflicts (2 of 4 stars). 3 submissions from 3 submitters: Benign (3). Last evaluated 2018-11-12.

Conditions:
Vesicoureteral reflux 2 (VUR2). Identifiers: Orphanet 289365, MedGen C1970483, MONDO:0012573, OMIM 610878.

Allele frequency attached by ClinVar (database versions not stated): gnomAD 0.16081 and 0.16435; TOPMed 0.16757; 1000 Genomes Project 0.18431; 1000 Genomes Project 30x 0.18504.
gnomAD v4.1: 253,415 of 1,395,666 alleles (18%); highest among the groups gnomAD compares: Admixed American, 27%; 24,063 homozygotes.

Submissions (3):

GeneDx
Classification: Benign. Last evaluated: 2018-11-12. Review status: criteria provided, single submitter. Criteria: GeneDx Variant Classification Process June 2021. Collection method: clinical testing. Allele origin: germline. Affected: yes.

Illumina Laboratory Services, Illumina
Classification: Benign for Vesicoureteral reflux 2. Last evaluated: 2018-01-12. Review status: criteria provided, single submitter. Criteria: ICSL Variant Classification Criteria 13 December 2019. Collection method: clinical testing. Allele origin: germline.
Comment: This variant was observed in the ICSL laboratory as part of a predisposition screen in an ostensibly healthy population. It had not been previously curated by ICSL or reported in the Human Gene Mutation Database (HGMD: prior to June 1st, 2018), and was therefore a candidate for classification through an automated scoring system. Utilizing variant allele frequency, disease prevalence and penetrance estimates, and inheritance mode, an automated score was calculated to assess if this variant is too frequent to cause the disease. Based on the score and internal cut-off values, a variant classified as benign is not then subjected to further curation. The score for this variant resulted in a classification of benign for this disease.

Breakthrough Genomics
Classification: Benign. Review status: criteria provided, single submitter. Criteria: ACMG Guidelines, 2015. Collection method: not provided. Allele origin: germline. Inheritance: Autosomal dominant inheritance. Affected: yes.

NM_001395656.1(ROBO2):c.-238T>G

Gene: ROBO2 (roundabout guidance receptor 2; plus strand). Cytogenetic location: 3p12.3.
Variant type: single nucleotide variant.
Coding change: c.-238T>G on transcript NM_001395656.1 (MANE Select); 238 bases upstream of the start codon, T replaced by G.
Molecular consequence: 5 prime UTR variant. On other transcripts: intron variant (16).
Genome position (GRCh38, 1-based): chr3:77,040,548, T>G. VCF-style: chr3-77040548-T-G. GRCh37 (hg19) VCF-style: chr3-77089699-T-G.
Other names: c.-238T>G (NM_001290039.2, NM_001290040.2, NM_001378193.1 and 3 more transcripts); c.-2156T>G (NM_001290065.2); c.110-57466T>G (NM_001378191.1, NM_001378195.1, NM_001378196.1 and 5 more transcripts); c.131-57466T>G (NM_001394213.1, NM_001378192.1, NM_001378198.1 and 5 more transcripts).
Identifiers: ClinVar variation 346671 (VCV000346671.9), dbSNP rs3923744, ClinGen allele CA10619595.